The following is an entry in ClinVar:

NM_004525.3(LRP2):c.10202C>G (p.Thr3401Arg)

Gene: LRP2 (LDL receptor related protein 2; minus strand). Cytogenetic location: 2q31.1.
Variant type: single nucleotide variant.
Coding change: c.10202C>G on transcript NM_004525.3 (MANE Select); coding-DNA position 10202, C replaced by G.
Protein change: p.Thr3401Arg; replaces threonine 3401 with arginine.
Molecular consequence: missense variant.
Genome position (GRCh38, 1-based): chr2:169,177,994, G>C on the plus strand (C>G on the coding strand, the complement: LRP2 is on the minus strand). VCF-style: chr2-169177994-G-C. GRCh37 (hg19) VCF-style: chr2-170034504-G-C.
Other names: short protein forms T3401R.
Identifiers: ClinVar variation 1475308 (VCV001475308.9), dbSNP rs200563635, ClinGen allele CA1953401.

ClinVar aggregate classification (germline): Uncertain significance. Review status: criteria provided, multiple submitters, no conflicts (2 of 4 stars). 4 submissions from 4 submitters: Uncertain significance (4). Last evaluated 2024-04-04.

Conditions:
Donnai-Barrow syndrome. Also called: DBS/FOAR SYNDROME; FACIOOCULOACOUSTICORENAL SYNDROME. Identifiers: Orphanet 2143, MedGen C1857277, MONDO:0009104, OMIM 222448.

gnomAD v4.1: 59 of 1,613,942 alleles (0.0037%); highest among the groups gnomAD compares: South Asian, 0.02%; 1 homozygote.

Submissions (4):

Genomic Medicine Center of Excellence, King Faisal Specialist Hospital and Research Centre
Classification: Uncertain significance for Donnai-Barrow syndrome. Last evaluated: 2024-04-04. Review status: criteria provided, single submitter. Criteria: ACMG Guidelines, 2015. Collection method: clinical testing. Allele origin: germline.

Fulgent Genetics
Classification: Uncertain significance for Donnai-Barrow syndrome. Last evaluated: 2024-02-23. Review status: criteria provided, single submitter. Criteria: ACMG Guidelines, 2015. Collection method: clinical testing. Allele origin: germline.

Blueprint Genetics
Classification: Uncertain significance. Last evaluated: 2023-08-21. Review status: criteria provided, single submitter. Criteria: ACMG Guidelines, 2015. Collection method: clinical testing. Allele origin: germline.

Labcorp Genetics (formerly Invitae), Labcorp
Classification: Uncertain significance. Last evaluated: 2022-08-16. Review status: criteria provided, single submitter. Criteria: Invitae Variant Classification Sherloc (09022015). Collection method: clinical testing. Allele origin: germline.
Comment: This sequence change replaces threonine, which is neutral and polar, with arginine, which is basic and polar, at codon 3401 of the LRP2 protein (p.Thr3401Arg). This variant is present in population databases (rs200563635, gnomAD 0.02%). This variant has not been reported in the literature in individuals affected with LRP2-related conditions. ClinVar contains an entry for this variant (Variation ID: 1475308). Advanced modeling of protein sequence and biophysical properties (such as structural, functional, and spatial information, amino acid conservation, physicochemical variation, residue mobility, and thermodynamic stability) performed at Invitae indicates that this missense variant is not expected to disrupt LRP2 protein function. Algorithms developed to predict the effect of sequence changes on RNA splicing suggest that this variant may create or strengthen a splice site. In summary, the available evidence is currently insufficient to determine the role of this variant in disease. Therefore, it has been classified as a Variant of Uncertain Significance.